The following is an entry in ClinVar:

ClinVar aggregate classification (germline): Uncertain significance (1 of 4 stars; one submission).

gnomAD v4.1: 24 of 1,612,992 alleles (0.0015%); highest among the groups gnomAD compares: Middle Eastern, 0.016%; 1 homozygote.

Submission:

Labcorp Genetics (formerly Invitae), Labcorp
Classification: Uncertain significance. Last evaluated: 2024-04-25. Review status: criteria provided, single submitter. Criteria: Invitae Variant Classification Sherloc (09022015). Collection method: clinical testing. Allele origin: germline.
Comment: This sequence change replaces valine, which is neutral and non-polar, with isoleucine, which is neutral and non-polar, at codon 3414 of the RNF213 protein (p.Val3414Ile). This variant is present in population databases (rs775147541, gnomAD 0.01%). This variant has not been reported in the literature in individuals affected with RNF213-related conditions. An algorithm developed to predict the effect of missense changes on protein structure and function (PolyPhen-2) suggests that this variant is likely to be disruptive. In summary, the available evidence is currently insufficient to determine the role of this variant in disease. Therefore, it has been classified as a Variant of Uncertain Significance.

NM_001256071.3(RNF213):c.10240G>A (p.Val3414Ile)

Gene: RNF213 (ring finger protein 213; plus strand). Cytogenetic location: 17q25.3.
Variant type: single nucleotide variant.
Coding change: c.10240G>A on transcript NM_001256071.3 (MANE Select); coding-DNA position 10240, G replaced by A.
Protein change: p.Val3414Ile; replaces valine 3414 with isoleucine.
Molecular consequence: missense variant.
Genome position (GRCh38, 1-based): chr17:80,351,740, G>A. VCF-style: chr17-80351740-G-A. GRCh37 (hg19) VCF-style: chr17-78325540-G-A.
Other names: c.10387G>A, p.Val3463Ile (NM_001410195.1, NM_020914.5); short protein forms V3414I, V3463I.
Identifiers: ClinVar variation 3612704 (VCV003612704.2).